The following is an entry in ClinVar:

NM_002234.4(KCNA5):c.816G>A (p.Leu272=)

Gene: KCNA5 (potassium voltage-gated channel subfamily A member 5; plus strand). Cytogenetic location: 12p13.32.
Variant type: single nucleotide variant.
Coding change: c.816G>A on transcript NM_002234.4 (MANE Select); coding-DNA position 816, G replaced by A.
Protein change: p.Leu272=; no amino-acid change (leucine 272 retained).
Molecular consequence: synonymous variant.
Genome position (GRCh38, 1-based): chr12:5,044,963, G>A. VCF-style: chr12-5044963-G-A. GRCh37 (hg19) VCF-style: chr12-5154129-G-A.
Identifiers: ClinVar variation 537318 (VCV000537318.12), dbSNP rs775088698, ClinGen allele CA6399722.

ClinVar aggregate classification (germline): Likely benign. Review status: criteria provided, single submitter (1 of 4 stars). 2 submissions from 2 submitters: Likely benign (1). 1 of the submissions does not count toward it. Last evaluated 2025-11-17.

Conditions:
KCNA5-related disorder. Also called: KCNA5-related condition.
Atrial fibrillation, familial, 7 (ATFB7). Identifiers: MedGen C2677106, MONDO:0012828, OMIM 612240.

Allele frequency attached by ClinVar (database versions not stated): gnomAD exomes 0.00001 and 0.00003; ExAC 0.00003; gnomAD 0.00006; TOPMed 0.00007.

Submissions (2):

Labcorp Genetics (formerly Invitae), Labcorp
Classification: Likely benign for Atrial fibrillation, familial, 7. Last evaluated: 2025-11-17. Review status: criteria provided, single submitter. Criteria: Invitae Variant Classification Sherloc (09022015). Collection method: clinical testing. Allele origin: germline.

PreventionGenetics, part of Exact Sciences
Classification: Likely benign for KCNA5-related condition. Last evaluated: 2020-06-22. Review status: no assertion criteria provided. Collection method: clinical testing. Allele origin: germline. Not counted in ClinVar's aggregate classification.
Comment: This variant is classified as likely benign based on ACMG/AMP sequence variant interpretation guidelines (Richards et al. 2015 PMID: 25741868, with internal and published modifications).